The following is an entry in ClinVar:

NM_001040142.2(SCN2A):c.1696C>T (p.Leu566Phe)

Gene: SCN2A (sodium voltage-gated channel alpha subunit 2; plus strand). Cytogenetic location: 2q24.3.
Variant type: single nucleotide variant.
Coding change: c.1696C>T on transcript NM_001040142.2 (MANE Select); coding-DNA position 1696, C replaced by T.
Protein change: p.Leu566Phe; replaces leucine 566 with phenylalanine.
Molecular consequence: missense variant.
Genome position (GRCh38, 1-based): chr2:165,323,180, C>T. VCF-style: chr2-165323180-C-T. GRCh37 (hg19) VCF-style: chr2-166179690-C-T.
Other names: c.1696C>T, p.Leu566Phe (NM_001040143.2, NM_001371246.1, NM_001371247.1 and 1 more transcripts); short protein forms L566F.
Identifiers: ClinVar variation 5020225 (VCV005020225.1).

ClinVar aggregate classification (germline): Uncertain significance (1 of 4 stars; one submission).

Submission:

Dasa
Classification: Uncertain significance. Last evaluated: 2026-07-08. Review status: criteria provided, single submitter. Criteria: DASA Assertion Criteria. Collection method: clinical testing. Allele origin: germline.
Comment: NM_001040142.2(SCN2A):c.1696C>T (p.Leu566Phe) is a missense variant that results in the substitution of leucine with phenylalanine. This variant is absent from population databases. The currently available literature and clinical evidence are not sufficient to establish a definitive association between this variant and the reported condition. Therefore, this variant is classified as a variant of uncertain significance.